The following is an entry in ClinVar:

NM_024580.6(EFL1):c.2224A>G (p.Ile742Val)

Gene: EFL1 (elongation factor like GTPase 1; minus strand). Cytogenetic location: 15q25.2.
Variant type: single nucleotide variant.
Coding change: c.2224A>G on transcript NM_024580.6 (MANE Select); coding-DNA position 2224, A replaced by G.
Protein change: p.Ile742Val; replaces isoleucine 742 with valine.
Molecular consequence: missense variant. On other transcripts: non-coding transcript variant (1).
Genome position (GRCh38, 1-based): chr15:82,152,230, T>C on the plus strand (A>G on the coding strand, the complement: EFL1 is on the minus strand). VCF-style: chr15-82152230-T-C. GRCh37 (hg19) VCF-style: chr15-82444571-T-C.
Other names: c.2071A>G, p.Ile691Val (NM_001040610.3); c.1435A>G, p.Ile479Val (NM_001322844.2); c.2224A>G, p.Ile742Val (NM_001322845.2); short protein forms I479V, I691V, I742V.
Identifiers: ClinVar variation 1031380 (VCV001031380.8), dbSNP rs765113282, ClinGen allele CA7697784.

ClinVar aggregate classification (germline): Uncertain significance. Review status: criteria provided, multiple submitters, no conflicts (2 of 4 stars). 2 submissions from 2 submitters: Uncertain significance (2). Last evaluated 2024-08-09.

Conditions:
Shwachman-Diamond syndrome 2. Identifiers: MedGen C4693704, MONDO:0044205, OMIM 617941.

Allele frequency attached by ClinVar (database versions not stated): ExAC 0.00002; TOPMed 0.00005; gnomAD exomes 0.00003.
gnomAD v4.1: 43 of 1,614,104 alleles (0.0027%); highest among the groups gnomAD compares: Middle Eastern, 0.016%; no homozygotes.

Submissions (2):

Labcorp Genetics (formerly Invitae), Labcorp
Classification: Uncertain significance. Last evaluated: 2024-08-09. Review status: criteria provided, single submitter. Criteria: Invitae Variant Classification Sherloc (09022015). Collection method: clinical testing. Allele origin: germline.
Comment: This sequence change replaces isoleucine, which is neutral and non-polar, with valine, which is neutral and non-polar, at codon 742 of the EFL1 protein (p.Ile742Val). This variant is present in population databases (rs765113282, gnomAD 0.005%). This variant has not been reported in the literature in individuals affected with EFL1-related conditions. ClinVar contains an entry for this variant (Variation ID: 1031380). Advanced modeling of protein sequence and biophysical properties (such as structural, functional, and spatial information, amino acid conservation, physicochemical variation, residue mobility, and thermodynamic stability) performed at Invitae indicates that this missense variant is not expected to disrupt EFL1 protein function with a negative predictive value of 80%. In summary, the available evidence is currently insufficient to determine the role of this variant in disease. Therefore, it has been classified as a Variant of Uncertain Significance.

Baylor Genetics
Classification: Uncertain significance for Shwachman-Diamond syndrome 2. Last evaluated: 2018-07-25. Review status: criteria provided, single submitter. Criteria: ACMG Guidelines, 2015. Collection method: clinical testing. Allele origin: paternal. Affected: yes.
Comment: This variant was determined to be of uncertain significance according to ACMG Guidelines, 2015 [PMID:25741868].